The following is an entry in ClinVar:

NM_000388.4(CASR):c.2264A>G (p.Glu755Gly)

Gene: CASR (calcium sensing receptor; plus strand). Cytogenetic location: 3q21.1.
Variant type: single nucleotide variant.
Coding change: c.2264A>G on transcript NM_000388.4 (MANE Select); coding-DNA position 2264, A replaced by G.
Protein change: p.Glu755Gly; replaces glutamic acid 755 with glycine.
Molecular consequence: missense variant.
Genome position (GRCh38, 1-based): chr3:122,284,218, A>G. VCF-style: chr3-122284218-A-G. GRCh37 (hg19) VCF-style: chr3-122003065-A-G.
Other names: c.2294A>G, p.Glu765Gly (NM_001178065.2); short protein forms E755G, E765G.
Identifiers: ClinVar variation 964399 (VCV000964399.10), dbSNP rs2074935054, ClinGen allele CA354159225.

ClinVar aggregate classification (germline): Uncertain significance (1 of 4 stars; one submission).

Conditions:
Autosomal dominant hypocalcemia 1 (HYPOC1). Also called: HYPOCALCEMIA, FAMILIAL. Identifiers: MedGen C3715128, MONDO:0011013, OMIM 601198.
Familial hypocalciuric hypercalcemia (FHH). Also called: Familial benign hypercalcemia. Identifiers: Orphanet 405, MedGen C1809471, MONDO:0018458.

Submission:

Labcorp Genetics (formerly Invitae), Labcorp
Classification: Uncertain significance for Familial hypocalciuric hypercalcemia; Autosomal dominant hypocalcemia 1. Last evaluated: 2019-10-28. Review status: criteria provided, single submitter. Criteria: Invitae Variant Classification Sherloc (09022015). Collection method: clinical testing. Allele origin: germline.
Comment: In summary, the available evidence is currently insufficient to determine the role of this variant in disease. Therefore, it has been classified as a Variant of Uncertain Significance. Algorithms developed to predict the effect of missense changes on protein structure and function are either unavailable or do not agree on the potential impact of this missense change (SIFT: "Deleterious"; PolyPhen-2: "Possibly Damaging"; Align-GVGD: "Class C15"). This variant has not been reported in the literature in individuals with CASR-related conditions. This variant is not present in population databases (ExAC no frequency). This sequence change replaces glutamic acid with glycine at codon 755 of the CASR protein (p.Glu755Gly). The glutamic acid residue is highly conserved and there is a moderate physicochemical difference between glutamic acid and glycine.